The following is an entry in ClinVar:

ClinVar aggregate classification (germline): Uncertain significance (1 of 4 stars; one submission).

Conditions:
SDCCAG8-related disorder. Also called: SDCCAG8-related condition; SDCCAG8-Related Disorders.

Submission:

PreventionGenetics, part of Exact Sciences
Classification: Uncertain significance for SDCCAG8-related condition. Last evaluated: 2026-03-05. Review status: criteria provided, single submitter. Criteria: ACMG Guidelines, 2015. Collection method: clinical testing. Allele origin: germline.
Comment: The SDCCAG8 c.929+4A>G variant is predicted to interfere with splicing. This variant is predicted to alter splicing based on available splicing prediction software (SpliceAI, Jaganathan et al. 2019. PubMed ID: 30661751). However, the use of computer prediction software is not equivalent to functional evidence. To our knowledge, this variant has not been reported in the literature or in a large population database (gnomAD), indicating this variant is rare. At this time, the clinical significance of this variant is uncertain due to the absence of conclusive functional and genetic evidence.

NM_006642.5(SDCCAG8):c.929+4A>G

Gene: SDCCAG8 (SHH signaling and ciliogenesis regulator SDCCAG8; plus strand). Cytogenetic location: 1q43.
Variant type: single nucleotide variant.
Coding change: c.929+4A>G on transcript NM_006642.5 (MANE Select); 4 bases into the intron after coding-DNA position 929, A replaced by G.
Molecular consequence: intron variant.
Genome position (GRCh38, 1-based): chr1:243,308,181, A>G. VCF-style: chr1-243308181-A-G. GRCh37 (hg19) VCF-style: chr1-243471483-A-G.
Other names: c.635+4A>G (NM_001350249.2); c.26+4A>G (NM_001350251.2, NM_001350246.2, NM_001350247.2); c.1025+4A>G (NM_001350248.2).
Identifiers: ClinVar variation 4995336 (VCV004995336.1).
Genomic context (GRCh38, chr1:243,308,181, plus strand): 5'-TGTTCTTTCCCAAACCCATACTAATGTTCATATGCAGACCATCGAAAGACTGGTTAAGTA[A>G]GTATGCTTCTACGCGCACGGAGACTTTGGCAATATGGAAAATTCTGCCTTTAAAGGGGCA-3'